The following is an entry in ClinVar:

NM_001007228.2(SPOP):c.1100del (p.Pro367fs)

Gene: SPOP (speckle type BTB/POZ protein; minus strand). Cytogenetic location: 17q21.33.
Variant type: Deletion.
Coding change: c.1100del on transcript NM_001007228.2 (MANE Select); coding-DNA position 1100, one base deleted (C; older notation c.1100delC).
Protein change: p.Pro367fs; shifts the reading frame from proline 367.
Molecular consequence: frameshift variant.
Genome position (GRCh38, 1-based): chr17:49,600,403, G deleted on the plus strand (C on the coding strand, the reverse complement: SPOP is on the minus strand); the first of 5 consecutive G bases (chr17:49,600,403-49,600,407); deleting any one gives the same sequence. VCF-style (leftmost placement, unchanged base first): chr17-49600402-TG-T. GRCh37 (hg19) VCF-style: chr17-47677764-TG-T.
Other names: c.1100del, p.Pro367fs (NM_001007226.1, NM_001007227.1, NM_001007229.1 and 5 more transcripts); short protein forms P367fs.
Identifiers: ClinVar variation 3236580 (VCV003236580.1), dbSNP rs2143097814, ClinGen allele CA2733712556.

ClinVar aggregate classification (germline): Uncertain significance (1 of 4 stars; one submission).

Conditions:
Neurodevelopmental disorder with microcephaly and dysmorphic facies. Also called: Nabais Sa-de Vries syndrome, type 1. Identifiers: Orphanet 662179, MedGen C5394218, MONDO:0032942, OMIM 618828.

Submission:

Clinical Genomics Laboratory, Washington University in St. Louis
Classification: Uncertain significance for Neurodevelopmental disorder with microcephaly and dysmorphic facies. Last evaluated: 2024-04-12. Review status: criteria provided, single submitter. Criteria: ACMG Guidelines, 2015. Collection method: clinical testing. Allele origin: germline. Affected: yes.
Comment: The SPOP c.1100del (p.Pro367Hisfs*5) variant, to our knowledge, has not been reported in the medical literature and is absent from the general population (gnomAD v.2.1.1), indicating it is not a common variant. This variant causes a frameshift by deleting a single nucleotide, leading to a premature termination codon; however, because this occurs in the last exon and is only predicted to delete eight amino acids, this is not predicted to lead to nonsense mediated decay. One publication indicates a nuclear localization signal may be located in the amino acids that would be deleted due to this variation (Shi Q et al., PMID: 31771591), but another publication indicates the nuclear localization signal is in another region (Nagai Y et al., PMID: 9414087). Due to limited information, and based on ACMG/AMP guidelines for variant interpretation (Richards S et al., PMID: 25741868), the clinical significance of this variant is uncertain at this time.